The following is an entry in ClinVar:

NM_001349253.2(SCN11A):c.5169_5181del (p.Ile1724fs)

Gene: SCN11A (sodium voltage-gated channel alpha subunit 11; minus strand). Cytogenetic location: 3p22.2.
Variant type: Deletion.
Coding change: c.5169_5181del on transcript NM_001349253.2 (MANE Select); coding-DNA positions 5169 to 5181, 13 bases deleted (CATAGTCACCACC).
Protein change: p.Ile1724fs; shifts the reading frame from isoleucine 1724.
Molecular consequence: frameshift variant.
Genome position (GRCh38, 1-based): chr3:38,846,889-38,846,901, GGTGGTGACTATG deleted on the plus strand (CATAGTCACCACC on the coding strand, the reverse complement: SCN11A is on the minus strand); deleting any 13 consecutive bases within chr3:38,846,889-38,846,904 gives the same sequence; the c. name uses the placement nearest the transcript's 3' end. VCF-style (leftmost placement, unchanged base first): chr3-38846888-TGGTGGTGACTATG-T. GRCh37 (hg19) VCF-style: chr3-38888379-TGGTGGTGACTATG-T.
Other names: c.5169_5181del, p.Ile1724fs (NM_014139.3); short protein forms I1724fs.
Identifiers: ClinVar variation 1976202 (VCV001976202.5), dbSNP rs2470963508, ClinGen allele CA2577554580.

ClinVar aggregate classification (germline): Uncertain significance (1 of 4 stars; one submission).

Conditions:
Hereditary sensory and autonomic neuropathy type 7. Also called: HSAN VII; Neuropathy, hereditary sensory and autonomic, type VII. Identifiers: Orphanet 391397, MedGen C3809882, MONDO:0014244, OMIM 615548.
Familial episodic pain syndrome with predominantly lower limb involvement. Also called: Episodic pain syndrome, familial, 3. Identifiers: Orphanet 391384, Orphanet 391392, MedGen C3809899, MONDO:0014247, OMIM 615552.

Submission:

Labcorp Genetics (formerly Invitae), Labcorp
Classification: Uncertain significance for Familial episodic pain syndrome with predominantly lower limb involvement; Hereditary sensory and autonomic neuropathy type 7. Last evaluated: 2022-03-26. Review status: criteria provided, single submitter. Criteria: Invitae Variant Classification Sherloc (09022015). Collection method: clinical testing. Allele origin: germline.
Comment: In summary, the available evidence is currently insufficient to determine the role of this variant in disease. Therefore, it has been classified as a Variant of Uncertain Significance. This sequence change creates a premature translational stop signal (p.Ile1724Profs*21) in the SCN11A gene. While this is not anticipated to result in nonsense mediated decay, it is expected to disrupt the last 68 amino acid(s) of the SCN11A protein. This variant has not been reported in the literature in individuals affected with SCN11A-related conditions. This variant is not present in population databases (gnomAD no frequency).